The following is an entry in ClinVar:

NM_013962.3(NRG1):c.26G>A (p.Arg9His)

Gene: NRG1 (neuregulin 1; plus strand). Cytogenetic location: 8p12.
Variant type: single nucleotide variant.
Coding change: c.26G>A on transcript NM_013962.3; coding-DNA position 26, G replaced by A.
Protein change: p.Arg9His; replaces arginine 9 with histidine.
Molecular consequence: missense variant. On other transcripts: intron variant (5).
Genome position (GRCh38, 1-based): chr8:31,640,010, G>A. VCF-style: chr8-31640010-G-A. GRCh37 (hg19) VCF-style: chr8-31497526-G-A.
Other names: c.37+579G>A (NM_001159999.3, NM_001159995.3, NM_001160001.3); c.-556+579G>A (NM_001322201.2); c.-505+579G>A (NM_001322202.2); short protein forms R9H.
Identifiers: ClinVar variation 98382 (VCV000098382.14), dbSNP rs367543151, ClinGen allele CA225633.

ClinVar aggregate classification (germline): Likely benign. Review status: criteria provided, single submitter (1 of 4 stars). 3 submissions from 3 submitters: Likely benign (1). 2 of the submissions do not count toward it. Last evaluated 2025-05-01.

Conditions:
NRG1-related disorder. Also called: NRG1-related condition.

Allele frequency attached by ClinVar (database versions not stated): TOPMed 0.00255; 1000 Genomes Project 30x 0.00297; gnomAD 0.00225 and 0.00243; ExAC below 0.00001; gnomAD exomes 0.00021; 1000 Genomes Project 0.00220.
gnomAD v4.1: 517 of 1,129,492 alleles (0.046%); highest among the groups gnomAD compares: African/African-American, 0.69%; 4 homozygotes.

Submissions (3):

CeGaT Center for Human Genetics Tuebingen
Classification: Likely benign. Last evaluated: 2025-05-01. Review status: criteria provided, single submitter. Criteria: CeGaT Center For Human Genetics Tuebingen Variant Classification Criteria Version 2. Collection method: clinical testing. Allele origin: germline. Affected: yes. Observed: 1 variant allele.
Comment: NRG1: BP4

PreventionGenetics, part of Exact Sciences
Classification: Benign for NRG1-related condition. Last evaluated: 2019-11-25. Review status: no assertion criteria provided. Collection method: clinical testing. Allele origin: germline. Not counted in ClinVar's aggregate classification.
Comment: This variant is classified as benign based on ACMG/AMP sequence variant interpretation guidelines (Richards et al. 2015 PMID: 25741868, with internal and published modifications).

Psychiatry Genetics Yale University
No classification provided. Review status: no classification provided. Collection method: not provided. Allele origin: not provided. Not counted in ClinVar's aggregate classification.